The following is an entry in ClinVar:

NM_001099922.3(ALG13):c.2252A>T (p.His751Leu)

Gene: ALG13 (ALG13 UDP-N-acetylglucosaminyltransferase subunit; plus strand). Cytogenetic location: Xq23.
Variant type: single nucleotide variant.
Coding change: c.2252A>T on transcript NM_001099922.3 (MANE Select); coding-DNA position 2252, A replaced by T.
Protein change: p.His751Leu; replaces histidine 751 with leucine.
Molecular consequence: missense variant. On other transcripts: non-coding transcript variant (1).
Genome position (GRCh38, 1-based): chrX:111,728,189, A>T. VCF-style: chrX-111728189-A-T. GRCh37 (hg19) VCF-style: chrX-110971417-A-T.
Other names: c.1940A>T, p.His647Leu (NM_001257230.2, NM_001257234.2, NM_001257237.2); c.2018A>T, p.His673Leu (NM_001257231.2); c.2252A>T, p.His751Leu (NM_001324292.2); c.1766A>T, p.His589Leu (NM_001324293.1); short protein forms H751L, H647L, H589L, H673L.
Identifiers: ClinVar variation 452748 (VCV000452748.2), dbSNP rs1556509249, ClinGen allele CA414253633.

ClinVar aggregate classification (germline): Uncertain significance (1 of 4 stars; one submission).

Submission:

GeneDx
Classification: Uncertain significance. Last evaluated: 2017-10-10. Review status: criteria provided, single submitter. Criteria: GeneDx Variant Classification (06012015). Collection method: clinical testing. Allele origin: germline. Affected: yes.
Comment: The H751L variant in the ALG13 gene has not been reported previously as a pathogenic variant, nor as a benign variant, to our knowledge. The H751L variant is not observed in large population cohorts (Lek et al., 2016). The H751L variant is a non-conservative amino acid substitution, which is likely to impact secondary protein structure as these residues differ in polarity, charge, size and/or other properties. However, this substitution occurs at a position that is not conserved, and in silico analysis is inconsistent in its predictions as to whether or not the variant is damaging to the protein structure/function. We interpret H751L as a variant of uncertain significance.